The following is an entry in ClinVar:

NM_000255.4(MMUT):c.1809-2A>T

Gene: MMUT (methylmalonyl-CoA mutase; minus strand). Cytogenetic location: 6p12.3.
Variant type: single nucleotide variant.
Coding change: c.1809-2A>T on transcript NM_000255.4 (MANE Select); the canonical splice acceptor site of the intron before coding-DNA position 1809, A replaced by T.
Molecular consequence: splice acceptor variant.
Genome position (GRCh38, 1-based): chr6:49,440,355, T>A on the plus strand (A>T on the coding strand, the complement: MMUT is on the minus strand). VCF-style: chr6-49440355-T-A. GRCh37 (hg19) VCF-style: chr6-49408068-T-A.
Identifiers: ClinVar variation 943982 (VCV000943982.8), dbSNP rs1767243474, ClinGen allele CA364395496.

ClinVar aggregate classification (germline): Likely pathogenic (1 of 4 stars; one submission).

Allele frequency attached by ClinVar (database versions not stated): TOPMed below 0.00001.
gnomAD v4.1: 1 of 1,613,674 alleles (0.000062%); no homozygotes.

Submission:

Labcorp Genetics (formerly Invitae), Labcorp
Classification: Likely pathogenic. Last evaluated: 2019-05-16. Review status: criteria provided, single submitter. Criteria: Invitae Variant Classification Sherloc (09022015). Collection method: clinical testing. Allele origin: germline.
Comment: This variant is not present in population databases (ExAC no frequency). In summary, the currently available evidence indicates that the variant is pathogenic, but additional data are needed to prove that conclusively. Therefore, this variant has been classified as Likely Pathogenic. Donor and acceptor splice site variants typically lead to a loss of protein function (PMID: 16199547), and loss-of-function variants in MUT are known to be pathogenic (PMID: 15781192). Algorithms developed to predict the effect of sequence changes on RNA splicing suggest that this variant may disrupt the consensus splice site, but this prediction has not been confirmed by published transcriptional studies. This variant has not been reported in the literature in individuals with MUT-related conditions. This sequence change affects an acceptor splice site in intron 10 of the MUT gene. It is expected to disrupt RNA splicing and likely results in an absent or disrupted protein product.

Literature cited by the submitters: PubMed 16199547; PubMed 15781192.